The following is an entry in ClinVar:

NM_006180.6(NTRK2):c.1196A>G (p.Asp399Gly)

Gene: NTRK2 (neurotrophic receptor tyrosine kinase 2; plus strand). Cytogenetic location: 9q21.33.
Variant type: single nucleotide variant.
Coding change: c.1196A>G on transcript NM_006180.6 (MANE Select); coding-DNA position 1196, A replaced by G.
Protein change: p.Asp399Gly; replaces aspartic acid 399 with glycine.
Molecular consequence: missense variant.
Genome position (GRCh38, 1-based): chr9:84,744,973, A>G. VCF-style: chr9-84744973-A-G. GRCh37 (hg19) VCF-style: chr9-87359888-A-G.
Other names: c.1196A>G, p.Asp399Gly (NM_001369548.1, NM_001369549.1, NM_001381928.1 and 16 more transcripts); c.728A>G, p.Asp243Gly (NM_001369550.1, NM_001369551.1, NM_001369552.1 and 2 more transcripts); c.1157A>G, p.Asp386Gly (NM_001291937.2, NM_001369546.1); c.1160A>G, p.Asp387Gly (NM_001369534.1); short protein forms D387G, D399G, D386G, D243G.
Identifiers: ClinVar variation 1993621 (VCV001993621.4), dbSNP rs2492883124, ClinGen allele CA374006715.

ClinVar aggregate classification (germline): Uncertain significance (1 of 4 stars; one submission).

Submission:

Labcorp Genetics (formerly Invitae), Labcorp
Classification: Uncertain significance. Last evaluated: 2022-11-15. Review status: criteria provided, single submitter. Criteria: Invitae Variant Classification Sherloc (09022015). Collection method: clinical testing. Allele origin: germline.
Comment: This variant has not been reported in the literature in individuals affected with NTRK2-related conditions. Algorithms developed to predict the effect of missense changes on protein structure and function (SIFT, PolyPhen-2, Align-GVGD) all suggest that this variant is likely to be tolerated. In summary, the available evidence is currently insufficient to determine the role of this variant in disease. Therefore, it has been classified as a Variant of Uncertain Significance. This variant is not present in population databases (gnomAD no frequency). This sequence change replaces aspartic acid, which is acidic and polar, with glycine, which is neutral and non-polar, at codon 399 of the NTRK2 protein (p.Asp399Gly).